The following is an entry in ClinVar:

NM_172362.3(KCNH1):c.559-3C>A

Gene: KCNH1 (potassium voltage-gated channel subfamily H member 1; minus strand). Cytogenetic location: 1q32.2.
Variant type: single nucleotide variant.
Coding change: c.559-3C>A on transcript NM_172362.3 (MANE Select); 3 bases into the intron before coding-DNA position 559, C replaced by A.
Molecular consequence: intron variant.
Genome position (GRCh38, 1-based): chr1:211,019,259, G>T on the plus strand (C>A on the coding strand, the complement: KCNH1 is on the minus strand). VCF-style: chr1-211019259-G-T. GRCh37 (hg19) VCF-style: chr1-211192601-G-T.
Other names: c.559-3C>A (NM_002238.4).
Identifiers: ClinVar variation 3653161 (VCV003653161.2).

ClinVar aggregate classification (germline): Uncertain significance (1 of 4 stars; one submission).

Submission:

Labcorp Genetics (formerly Invitae), Labcorp
Classification: Uncertain significance. Last evaluated: 2024-05-12. Review status: criteria provided, single submitter. Criteria: Invitae Variant Classification Sherloc (09022015). Collection method: clinical testing. Allele origin: germline.
Comment: This sequence change falls in intron 5 of the KCNH1 gene. It does not directly change the encoded amino acid sequence of the KCNH1 protein. It affects a nucleotide within the consensus splice site. This variant is not present in population databases (gnomAD no frequency). This variant has not been reported in the literature in individuals affected with KCNH1-related conditions. Variants that disrupt the consensus splice site are a relatively common cause of aberrant splicing (PMID: 17576681, 9536098). Algorithms developed to predict the effect of sequence changes on RNA splicing suggest that this variant is not likely to affect RNA splicing. In summary, the available evidence is currently insufficient to determine the role of this variant in disease. Therefore, it has been classified as a Variant of Uncertain Significance.

Literature cited by the submitters: PubMed 17576681; PubMed 9536098.